The following is an entry in ClinVar:

NM_012260.4(HACL1):c.1312G>T (p.Val438Leu)

Gene: HACL1 (2-hydroxyacyl-CoA lyase 1; minus strand). Cytogenetic location: 3p25.1.
Variant type: single nucleotide variant.
Coding change: c.1312G>T on transcript NM_012260.4 (MANE Select); coding-DNA position 1312, G replaced by T.
Protein change: p.Val438Leu; replaces valine 438 with leucine.
Molecular consequence: missense variant. On other transcripts: non-coding transcript variant (1).
Genome position (GRCh38, 1-based): chr3:15,567,941, C>A on the plus strand (G>T on the coding strand, the complement: HACL1 is on the minus strand). VCF-style: chr3-15567941-C-A. GRCh37 (hg19) VCF-style: chr3-15609448-C-A.
Other names: c.1312G>T (NM_012260.2); c.1231G>T, p.Val411Leu (NM_001284413.2); c.1132G>T, p.Val378Leu (NM_001284415.2); c.1066G>T, p.Val356Leu (NM_001284416.2); short protein forms V356L, V378L, V411L, V438L.
Identifiers: ClinVar variation 3055290 (VCV003055290.3), dbSNP rs111333255, ClinGen allele CA2276540.

ClinVar aggregate classification (germline): Likely benign. Review status: criteria provided, single submitter (1 of 4 stars). 2 submissions from 2 submitters: Likely benign (1). 1 of the submissions does not count toward it. Last evaluated 2025-11-05.

Conditions:
HACL1-related disorder. Also called: HACL1-related condition.

Allele frequency attached by ClinVar (database versions not stated): ExAC 0.00043; ESP Exome Variant Server 0.00092; 1000 Genomes Project 30x 0.00125; 1000 Genomes Project 0.00140.
gnomAD v4.1: 450 of 1,613,834 alleles (0.028%); highest among the groups gnomAD compares: African/African-American, 0.53%; 1 homozygote.

Submissions (2):

Ambry Genetics
Classification: Likely benign. Last evaluated: 2025-11-05. Review status: criteria provided, single submitter. Criteria: Ambry Variant Classification Scheme 2023. Collection method: clinical testing. Allele origin: germline.

PreventionGenetics, part of Exact Sciences
Classification: Likely benign for HACL1-related condition. Last evaluated: 2023-04-25. Review status: no assertion criteria provided. Collection method: clinical testing. Allele origin: germline. Not counted in ClinVar's aggregate classification.
Comment: This variant is classified as likely benign based on ACMG/AMP sequence variant interpretation guidelines (Richards et al. 2015 PMID: 25741868, with internal and published modifications).